The following is an entry in ClinVar:

NM_014694.4(ADAMTSL2):c.318G>A (p.Pro106=)

Gene: ADAMTSL2 (ADAMTS like 2; plus strand). Cytogenetic location: 9q34.2.
Variant type: single nucleotide variant.
Coding change: c.318G>A on transcript NM_014694.4 (MANE Select); coding-DNA position 318, G replaced by A.
Protein change: p.Pro106=; no amino-acid change (proline 106 retained).
Molecular consequence: synonymous variant.
Genome position (GRCh38, 1-based): chr9:133,539,779, G>A. VCF-style: chr9-133539779-G-A. GRCh37 (hg19) VCF-style: chr9-136404901-G-A.
Other names: c.318G>A, p.Pro106= (NM_001145320.2).
Identifiers: ClinVar variation 976603 (VCV000976603.9), dbSNP rs191009072, ClinGen allele CA5312575.

ClinVar aggregate classification (germline): Conflicting classifications of pathogenicity. Review status: criteria provided, conflicting classifications (1 of 4 stars). 3 submissions from 3 submitters: Uncertain significance (1); Likely benign (2). Last evaluated 2026-03-01.

Conditions:
Geleophysic dysplasia 1 (GPHYSD1). Also called: Geleophysic dwarfism. Identifiers: Orphanet 2623, MedGen C3278147, MONDO:0009269, OMIM 231050.

Allele frequency attached by ClinVar (database versions not stated): gnomAD exomes 0.00022 and 0.00069; gnomAD 0.00028 and 0.00042; TOPMed 0.00032; ExAC 0.00050; 1000 Genomes Project 30x 0.00234; 1000 Genomes Project 0.00240.
gnomAD v4.1: 364 of 1,507,780 alleles (0.024%); highest among the groups gnomAD compares: East Asian, 0.62%; 1 homozygote.

Submissions (3):

CeGaT Center for Human Genetics Tuebingen
Classification: Likely benign. Last evaluated: 2026-03-01. Review status: criteria provided, single submitter. Criteria: CeGaT Center For Human Genetics Tuebingen Variant Classification Criteria Version 2. Collection method: clinical testing. Allele origin: germline. Affected: yes. Observed: 1 variant allele.
Comment: ADAMTSL2: BP4, BP7

Blueprint Genetics
Classification: Likely benign. Last evaluated: 2024-10-23. Review status: criteria provided, single submitter. Criteria: ACMG Guidelines, 2015. Collection method: clinical testing. Allele origin: germline.

Illumina Laboratory Services, Illumina
Classification: Uncertain significance for Geleophysic dysplasia 1. Last evaluated: 2018-01-12. Review status: criteria provided, single submitter. Criteria: ICSL Variant Classification Criteria 13 December 2019. Collection method: clinical testing. Allele origin: germline.